The following is an entry in ClinVar:

ClinVar aggregate classification (germline): Uncertain significance (1 of 4 stars; one submission).

Conditions:
Hereditary cancer-predisposing syndrome. Also called: Hereditary neoplastic syndrome; Neoplastic Syndromes, Hereditary; Tumor predisposition; Hereditary Cancer Syndrome. Identifiers: Orphanet 140162, MedGen C0027672, MeSH D009386, MONDO:0015356.

Submission:

Ambry Genetics
Classification: Uncertain significance for Hereditary cancer-predisposing syndrome. Last evaluated: 2025-07-17. Review status: criteria provided, single submitter. Criteria: Ambry Variant Classification Scheme 2023. Collection method: clinical testing. Allele origin: germline.
Comment: The p.G38A variant (also known as c.113G>C), located in coding exon 1 of the CDKN2A (p14ARF) gene, results from a G to C substitution at nucleotide position 113. The glycine at codon 38 is replaced by alanine, an amino acid with similar properties. This amino acid position is not well conserved in available vertebrate species. In addition, this alteration is predicted to be tolerated by in silico analysis. Since supporting evidence is limited at this time, the clinical significance of this alteration remains unclear.

NM_058195.4(CDKN2A):c.113G>C (p.Gly38Ala)

Gene: CDKN2A (cyclin dependent kinase inhibitor 2A; minus strand). Cytogenetic location: 9p21.3.
Variant type: single nucleotide variant.
Coding change: c.113G>C on transcript NM_058195.4 (MANE Plus Clinical); coding-DNA position 113, G replaced by C.
Protein change: p.Gly38Ala; replaces glycine 38 with alanine.
Molecular consequence: missense variant. On other transcripts: intron variant (1).
Genome position (GRCh38, 1-based): chr9:21,994,219, C>G on the plus strand (G>C on the coding strand, the complement: CDKN2A is on the minus strand). VCF-style: chr9-21994219-C-G. GRCh37 (hg19) VCF-style: chr9-21994218-C-G.
Other names: c.-4+602G>C (NM_001363763.2); short protein forms G38A.
Identifiers: ClinVar variation 1730884 (VCV001730884.3), dbSNP rs1563902798, ClinGen allele CA373086918.
Genomic context (GRCh38, chr9:21,994,219, plus strand): 5'-TGCTGCCCTAGACGCTGGCTCCTCAGTAGCATCAGCACGAGGGCCACAGCGGCGGGCGCC[C>G]CTGGCGCTGCCCACTCCCCCGTGAGCCGCGGGATGTGAACCACGAAAACCCTCACTCGCG-3'
Protein context (NP_478102.2, residues 28-48): PRLTGEWAAP[Gly38Ala]APAAVALVLM